The following is an entry in ClinVar:

ClinVar aggregate classification (germline): Uncertain significance (1 of 4 stars; one submission).

Submission:

Women's Health and Genetics/Laboratory Corporation of America, LabCorp
Classification: Uncertain significance. Last evaluated: 2024-10-17. Review status: criteria provided, single submitter. Criteria: LabCorp Variant Classification Summary - May 2015. Collection method: clinical testing. Allele origin: germline.
Comment: Variant summary: COL11A1 c.5275-2A>T is located in a canonical splice-site (in the last intron) and is predicted to affect mRNA splicing resulting in a significantly altered protein due to either exon skipping, shortening, or inclusion of intronic material. Variants that disrupt the consensus splice site are a relatively common cause of aberrant splicing and loss of COL11A1 function. Several computational tools predict a significant impact on normal splicing: Four predict the variant abolishes a 3' acceptor site. Four predict the variant creates a cryptic 3' acceptor site. However, these predictions have yet to be confirmed by functional studies. The variant was absent in 247950 control chromosomes (gnomAD). The available data on variant occurrences in the general population are insufficient to allow any conclusion about variant significance. To our knowledge, no occurrence of c.5275-2A>T in individuals affected with Stickler Syndrome and no experimental evidence demonstrating its impact on protein function have been reported. No submitters have cited clinical-significance assessments for this variant to ClinVar. Based on the evidence outlined above, the variant was classified as uncertain significance.

NM_001854.4(COL11A1):c.5275-2A>T

Gene: COL11A1 (collagen type XI alpha 1 chain; minus strand). Cytogenetic location: 1p21.1.
Variant type: single nucleotide variant.
Coding change: c.5275-2A>T on transcript NM_001854.4 (MANE Select); the canonical splice acceptor site of the intron before coding-DNA position 5275, A replaced by T.
Molecular consequence: splice acceptor variant.
Genome position (GRCh38, 1-based): chr1:102,878,167, T>A on the plus strand (A>T on the coding strand, the complement: COL11A1 is on the minus strand). VCF-style: chr1-102878167-T-A. GRCh37 (hg19) VCF-style: chr1-103343723-T-A.
Other names: c.5158-2A>T (NM_001190709.2); c.5311-2A>T (NM_080629.3); c.4927-2A>T (NM_080630.4).
Identifiers: ClinVar variation 3385213 (VCV003385213.1).